The following is an entry in ClinVar:

ClinVar aggregate classification (germline): Uncertain significance (1 of 4 stars; one submission).

Conditions:
Epilepsy, familial temporal lobe, 1. Identifiers: Orphanet 101046, MedGen CN030884, MONDO:0700090, OMIM 600512.

Submission:

MGZ Medical Genetics Center
Classification: Uncertain significance for Epilepsy, familial temporal lobe, 1. Last evaluated: 2022-05-30. Review status: criteria provided, single submitter. Criteria: ACMG Guidelines, 2015. Collection method: clinical testing. Allele origin: germline. Affected: yes. Observed: 2 variant alleles.
Comment: ACMG criteria applied: PM2_SUP, PP2, PP3

NM_005097.4(LGI1):c.962T>C (p.Ile321Thr)

Gene: LGI1 (leucine rich glioma inactivated 1; plus strand). Cytogenetic location: 10q23.33.
Variant type: single nucleotide variant.
Coding change: c.962T>C on transcript NM_005097.4 (MANE Select); coding-DNA position 962, T replaced by C.
Protein change: p.Ile321Thr; replaces isoleucine 321 with threonine.
Molecular consequence: missense variant. On other transcripts: non-coding transcript variant (1), intron variant (1).
Genome position (GRCh38, 1-based): chr10:93,797,091, T>C. VCF-style: chr10-93797091-T-C. GRCh37 (hg19) VCF-style: chr10-95556848-T-C.
Other names: c.818T>C, p.Ile273Thr (NM_001308276.2); c.839-658T>C (NM_001308275.2); short protein forms I273T, I321T.
Identifiers: ClinVar variation 1709493 (VCV001709493.2), dbSNP rs2492918018, ClinGen allele CA377626731.
Genomic context (GRCh38, chr10:93,797,091, plus strand): 5'-AGCTGTTTGGTGGCTCTCACATCTATAAGCGAGACAGTTTTGCAAATAAATTCATAAAAA[T>C]CCAGGATATTGAAATTCTCAAAATCCGAAAACCCAATGACATTGAAACATTCAAGATTGA-3'
Protein context (NP_005088.1, residues 311-331): RDSFANKFIK[Ile321Thr]QDIEILKIRK